The following is an entry in ClinVar:

ClinVar aggregate classification (germline): Uncertain significance (1 of 4 stars; one submission).

Conditions:
Bardet-Biedl syndrome 10 (BBS10). Identifiers: Orphanet 110, MedGen C1859568, MONDO:0014438, OMIM 615987.

Submission:

Myriad Genetics, Inc.
Classification: Uncertain significance for Bardet-Biedl syndrome 10. Last evaluated: 2025-11-24. Review status: criteria provided, single submitter. Criteria: Myriad Autosomal Dominant, Autosomal Recessive and X-Linked Classification Criteria (2023). Collection method: clinical testing. Allele origin: unknown.
Comment: NM_024685.3(BBS10):c.1755_1757dupTTC(S586dup) is an in-frame insertion classified as a variant of uncertain significance in the context of Bardet-Biedl syndrome, BBS10-related. S586dup has not been observed in cases with relevant disease. Relevant functional assessments of this variant are not available in the literature. S586dup has not been observed in referenced population frequency databases. In summary, there is insufficient evidence to classify NM_024685.3(BBS10):c.1755_1757dupTTC(S586dup) as pathogenic or benign. Please note: this variant was assessed in the context of healthy population screening.

NM_024685.4(BBS10):c.1755_1757dup (p.Ser586_Gln587insSer)

Gene: BBS10 (Bardet-Biedl syndrome 10; minus strand). Cytogenetic location: 12q21.2.
Variant type: Duplication.
Coding change: c.1755_1757dup on transcript NM_024685.4 (MANE Select); coding-DNA positions 1755 to 1757, 3 bases duplicated (TTC; older notation c.1755_1757dupTTC).
Protein change: p.Ser586_Gln587insSer.
Molecular consequence: inframe insertion.
Genome position (GRCh38, 1-based): chr12:76,346,228-76,346,230, GAA duplicated on the plus strand (TTC on the coding strand, the reverse complement: BBS10 is on the minus strand); duplicating any 3 consecutive bases within chr12:76,346,228-76,346,231 gives the same sequence; the c. name uses the placement nearest the transcript's 3' end. VCF-style (leftmost placement, unchanged base first): chr12-76346227-G-GGAA. GRCh37 (hg19) VCF-style: chr12-76740007-G-GGAA.
Identifiers: ClinVar variation 5004299 (VCV005004299.1).
Genomic context (GRCh38, chr12:76,346,227, plus strand): 5'-AAAATTACCACCTACTGGCAAAACACAACCAGCTGGCATAGATGAGGAAAGGTAACTCTG[G>GGAA]GAAGTACCCATATTCGGTAACTTACAGCTCACTGGTAACATGCTTCCCTTTCTAGTAATA-3'